The following is an entry in ClinVar:

ClinVar aggregate classification (germline): Uncertain significance (1 of 4 stars; one submission).

Conditions:
Pityriasis rubra pilaris (PRP). Also called: Pityriasis rubra pilaris--familial type. Identifiers: Orphanet 2897, MedGen C0032027, MONDO:0100017, OMIM 173200, MONDO:0008251.
Psoriasis 2. Identifiers: MedGen C1864497, MONDO:0011269, OMIM 602723.

Allele frequency attached by ClinVar (database versions not stated): ExAC 0.00001; gnomAD 0.00001; 1000 Genomes Project 30x 0.00016; 1000 Genomes Project 0.00020.
gnomAD v4.1: 2 of 1,584,194 alleles (0.00013%); highest among the groups gnomAD compares: African/African-American, 0.0028%; no homozygotes.

Submission:

Labcorp Genetics (formerly Invitae), Labcorp
Classification: Uncertain significance for Pityriasis rubra pilaris; Psoriasis 2. Last evaluated: 2022-07-15. Review status: criteria provided, single submitter. Criteria: Invitae Variant Classification Sherloc (09022015). Collection method: clinical testing. Allele origin: germline.
Comment: This sequence change replaces glutamic acid, which is acidic and polar, with aspartic acid, which is acidic and polar, at codon 300 of the CARD14 protein (p.Glu300Asp). This variant is present in population databases (rs577104396, gnomAD 0.008%). This variant has not been reported in the literature in individuals affected with CARD14-related conditions. Algorithms developed to predict the effect of missense changes on protein structure and function are either unavailable or do not agree on the potential impact of this missense change (SIFT: "Deleterious"; PolyPhen-2: "Possibly Damaging"; Align-GVGD: "Class C0"). In summary, the available evidence is currently insufficient to determine the role of this variant in disease. Therefore, it has been classified as a Variant of Uncertain Significance.

NM_001366385.1(CARD14):c.900G>C (p.Glu300Asp)

Gene: CARD14 (caspase recruitment domain family member 14; plus strand). Cytogenetic location: 17q25.3.
Variant type: single nucleotide variant.
Coding change: c.900G>C on transcript NM_001366385.1 (MANE Select); coding-DNA position 900, G replaced by C.
Protein change: p.Glu300Asp; replaces glutamic acid 300 with aspartic acid.
Molecular consequence: missense variant. On other transcripts: non-coding transcript variant (1).
Genome position (GRCh38, 1-based): chr17:80,189,809, G>C. VCF-style: chr17-80189809-G-C. GRCh37 (hg19) VCF-style: chr17-78163608-G-C.
Other names: c.900G>C, p.Glu300Asp (NM_001257970.1, NM_024110.4); c.189G>C, p.Glu63Asp (NM_052819.3); short protein forms E300D, E63D.
Identifiers: ClinVar variation 1714040 (VCV001714040.6), dbSNP rs577104396, ClinGen allele CA8816567.